The following is an entry in ClinVar:

NM_014263.4(YME1L1):c.1967C>G (p.Thr656Ser)

Gene: YME1L1 (YME1 like 1 ATPase; minus strand). Cytogenetic location: 10p12.1.
Variant type: single nucleotide variant.
Coding change: c.1967C>G on transcript NM_014263.4 (MANE Select); coding-DNA position 1967, C replaced by G.
Protein change: p.Thr656Ser; replaces threonine 656 with serine.
Molecular consequence: missense variant.
Genome position (GRCh38, 1-based): chr10:27,114,561, G>C on the plus strand (C>G on the coding strand, the complement: YME1L1 is on the minus strand). VCF-style: chr10-27114561-G-C. GRCh37 (hg19) VCF-style: chr10-27403490-G-C.
Other names: c.1868C>G, p.Thr623Ser (NM_001253866.2); c.2138C>G, p.Thr713Ser (NM_139312.3); short protein forms T713S, T623S, T656S.
Identifiers: ClinVar variation 2071558 (VCV002071558.4), dbSNP rs774129898, ClinGen allele CA5449193.

ClinVar aggregate classification (germline): Uncertain significance (1 of 4 stars; one submission).

Allele frequency attached by ClinVar (database versions not stated): gnomAD 0.00002; TOPMed 0.00002.
gnomAD v4.1: 14 of 1,613,742 alleles (0.00087%); highest among the groups gnomAD compares: East Asian, 0.031%; no homozygotes.

Submission:

Labcorp Genetics (formerly Invitae), Labcorp
Classification: Uncertain significance. Last evaluated: 2023-07-08. Review status: criteria provided, single submitter. Criteria: Invitae Variant Classification Sherloc (09022015). Collection method: clinical testing. Allele origin: germline.
Comment: This variant has not been reported in the literature in individuals affected with YME1L1-related conditions. ClinVar contains an entry for this variant (Variation ID: 2071558). An algorithm developed to predict the effect of missense changes on protein structure and function (PolyPhen-2) suggests that this variant is likely to be disruptive. In summary, the available evidence is currently insufficient to determine the role of this variant in disease. Therefore, it has been classified as a Variant of Uncertain Significance. This variant is present in population databases (rs774129898, gnomAD 0.06%), and has an allele count higher than expected for a pathogenic variant. This sequence change replaces threonine, which is neutral and polar, with serine, which is neutral and polar, at codon 713 of the YME1L1 protein (p.Thr713Ser).